The following is an entry in ClinVar:

NM_000629.3(IFNAR1):c.646A>G (p.Ser216Gly)

Gene: IFNAR1 (interferon alpha and beta receptor subunit 1; plus strand). Cytogenetic location: 21q22.11.
Variant type: single nucleotide variant.
Coding change: c.646A>G on transcript NM_000629.3 (MANE Select); coding-DNA position 646, A replaced by G.
Protein change: p.Ser216Gly; replaces serine 216 with glycine.
Molecular consequence: missense variant. On other transcripts: 5 prime UTR variant (1).
Genome position (GRCh38, 1-based): chr21:33,343,649, A>G. VCF-style: chr21-33343649-A-G. GRCh37 (hg19) VCF-style: chr21-34715955-A-G.
Other names: c.646A>G, p.Ser216Gly (NM_001384498.1, NM_001384499.1, NM_001384501.1 and 1 more transcripts); c.-117A>G (NM_001384500.1); c.184A>G, p.Ser62Gly (NM_001384502.1); c.439A>G, p.Ser147Gly (NM_001384504.1); short protein forms S216G, S147G, S62G.
Identifiers: ClinVar variation 2004555 (VCV002004555.1), dbSNP rs2516872402, ClinGen allele CA410107838.

ClinVar aggregate classification (germline): Uncertain significance (1 of 4 stars; one submission).

Allele frequency attached by ClinVar (database versions not stated): gnomAD exomes below 0.00001.
gnomAD v4.1: 1 of 1,605,742 alleles (0.000062%); highest among the groups gnomAD compares: Non-Finnish European, 0.000085%; no homozygotes.

Submission:

Labcorp Genetics (formerly Invitae), Labcorp
Classification: Uncertain significance. Last evaluated: 2022-06-10. Review status: criteria provided, single submitter. Criteria: Invitae Variant Classification Sherloc (09022015). Collection method: clinical testing. Allele origin: germline.
Comment: This sequence change replaces serine, which is neutral and polar, with glycine, which is neutral and non-polar, at codon 216 of the IFNAR1 protein (p.Ser216Gly). This variant is not present in population databases (gnomAD no frequency). This variant has not been reported in the literature in individuals affected with IFNAR1-related conditions. Algorithms developed to predict the effect of missense changes on protein structure and function output the following: SIFT: "Tolerated"; PolyPhen-2: "Possibly Damaging"; Align-GVGD: "Class C0". The glycine amino acid residue is found in multiple mammalian species, which suggests that this missense change does not adversely affect protein function. Algorithms developed to predict the effect of sequence changes on RNA splicing suggest that this variant may create or strengthen a splice site. In summary, the available evidence is currently insufficient to determine the role of this variant in disease. Therefore, it has been classified as a Variant of Uncertain Significance.